The following is an entry in ClinVar:

NM_001613.4(ACTA2):c.1006G>C (p.Glu336Gln)

Genes: ACTA2 (actin alpha 2, smooth muscle; minus strand), ACTA2-AS1 (ACTA2 antisense RNA 1; plus strand). Cytogenetic location: 10q23.31.
Variant type: single nucleotide variant.
Coding change: c.1006G>C on transcript NM_001613.4 (MANE Select); coding-DNA position 1006, G replaced by C.
Protein change: p.Glu336Gln; replaces glutamic acid 336 with glutamine.
Molecular consequence: missense variant. On other transcripts: non-coding transcript variant (1).
Genome position (GRCh38, 1-based): chr10:88,935,351, C>G on the plus strand (G>C on the coding strand, the complement: ACTA2 is on the minus strand). VCF-style: chr10-88935351-C-G. GRCh37 (hg19) VCF-style: chr10-90695108-C-G.
Other names: c.1006G>C, p.Glu336Gln (NM_001141945.3, NM_001320855.2, NM_001406462.1 and 2 more transcripts); c.895G>C, p.Glu299Gln (NM_001406466.1); c.877G>C, p.Glu293Gln (NM_001406467.1, NM_001406468.1, NM_001406469.1); c.814G>C, p.Glu272Gln (NM_001406471.1); short protein forms E336Q, E293Q, E299Q, E272Q.
Identifiers: ClinVar variation 572632 (VCV000572632.10), dbSNP rs1564641192, ClinGen allele CA377510602.

ClinVar aggregate classification (germline): Uncertain significance (1 of 4 stars; one submission).

Conditions:
Aortic aneurysm, familial thoracic 6 (AAT6). Also called: FAMILIAL THORACIC AORTIC ANEURYSM WITH LIVEDO RETICULARIS AND IRIS FLOCCULI. Identifiers: MedGen C2673186, MONDO:0012730, OMIM 611788.

Submission:

Labcorp Genetics (formerly Invitae), Labcorp
Classification: Uncertain significance for Aortic aneurysm, familial thoracic 6. Last evaluated: 2018-05-12. Review status: criteria provided, single submitter. Criteria: Invitae Variant Classification Sherloc (09022015). Collection method: clinical testing. Allele origin: germline.
Comment: This sequence change replaces glutamic acid with glutamine at codon 336 of the ACTA2 protein (p.Glu336Gln). The glutamic acid residue is highly conserved and there is a small physicochemical difference between glutamic acid and glutamine. This variant is not present in population databases (ExAC no frequency). In summary, the available evidence is currently insufficient to determine the role of this variant in disease. Therefore, it has been classified as a Variant of Uncertain Significance. Algorithms developed to predict the effect of missense changes on protein structure and function (SIFT, PolyPhen-2, Align-GVGD) all suggest that this variant is likely to be disruptive, but these predictions have not been confirmed by published functional studies and their clinical significance is uncertain. This variant has not been reported in the literature in individuals with ACTA2-related disease.